The following is an entry in ClinVar:

NM_012470.4(TNPO3):c.2177A>G (p.Gln726Arg)

Gene: TNPO3 (transportin 3; minus strand). Cytogenetic location: 7q32.1.
Variant type: single nucleotide variant.
Coding change: c.2177A>G on transcript NM_012470.4 (MANE Select); coding-DNA position 2177, A replaced by G.
Protein change: p.Gln726Arg; replaces glutamine 726 with arginine.
Molecular consequence: missense variant. On other transcripts: non-coding transcript variant (18).
Genome position (GRCh38, 1-based): chr7:128,975,820, T>C on the plus strand (A>G on the coding strand, the complement: TNPO3 is on the minus strand). VCF-style: chr7-128975820-T-C. GRCh37 (hg19) VCF-style: chr7-128615874-T-C.
Other names: c.1985A>G, p.Gln662Arg (NM_001191028.3, NM_001382223.1); c.2279A>G, p.Gln760Arg (NM_001382216.1); c.2258A>G, p.Gln753Arg (NM_001382217.1); c.2177A>G, p.Gln726Arg (NM_001382218.1); c.2069A>G, p.Gln690Arg (NM_001382219.1); c.2036A>G, p.Gln679Arg (NM_001382220.1); c.2033A>G, p.Gln678Arg (NM_001382221.1); c.2030A>G, p.Gln677Arg (NM_001382222.1); short protein forms Q662R, Q677R, Q678R, Q679R, Q690R, Q726R, Q753R, Q760R.
Identifiers: ClinVar variation 1697292 (VCV001697292.1), dbSNP rs1357424657, ClinGen allele CA369217840.
Genomic context (GRCh38, chr7:128,975,820, plus strand): 5'-CTGCTAGGCCTTCAGACCCTCTAGGCCTGATGCGTCTACACTCCTCATGGAAAAGATACC[T>C]GGAGCATGTCTAGCAGTCCCTGCCGACAGCCTTCTTCCATGCCATATTCATCCACAAGGA-3'
Protein context (NP_036602.1, residues 716-736): GCRQGLLDML[Gln726Arg]ALCIPTFQLL

ClinVar aggregate classification (germline): Uncertain significance (1 of 4 stars; one submission).

Conditions:
Autosomal dominant limb-girdle muscular dystrophy type 1F (LGMDD2). Also called: Limb-girdle muscular dystrophy, type 1F; MUSCULAR DYSTROPHY, LIMB-GIRDLE, AUTOSOMAL DOMINANT 2. Identifiers: Orphanet 55595, MedGen C1842062, MONDO:0012034, OMIM 608423.

Allele frequency attached by ClinVar (database versions not stated): gnomAD exomes below 0.00001.
gnomAD v4.1: 2 of 1,605,524 alleles (0.00012%); highest among the groups gnomAD compares: Non-Finnish European, 0.00017%; no homozygotes.

Submission:

Institute of Human Genetics, University of Leipzig Medical Center
Classification: Uncertain significance for Autosomal dominant limb-girdle muscular dystrophy type 1F. Last evaluated: 2022-06-09. Review status: criteria provided, single submitter. Criteria: ACMG Guidelines, 2015. Collection method: clinical testing. Allele origin: unknown. Affected: yes.
Comment: _x000D_ Criteria applied: PM2_SUP, PP2, PP3